The following is an entry in ClinVar:

NM_022124.6(CDH23):c.9115C>T (p.Arg3039Trp)

Gene: CDH23 (cadherin related 23; plus strand). Cytogenetic location: 10q22.1.
Variant type: single nucleotide variant.
Coding change: c.9115C>T on transcript NM_022124.6 (MANE Select); coding-DNA position 9115, C replaced by T.
Protein change: p.Arg3039Trp; replaces arginine 3039 with tryptophan.
Molecular consequence: missense variant.
Genome position (GRCh38, 1-based): chr10:71,811,352, C>T. VCF-style: chr10-71811352-C-T. GRCh37 (hg19) VCF-style: chr10-73571109-C-T.
Other names: c.2395C>T, p.Arg799Trp (NM_001171933.1, NM_001171934.1); c.9115C>T (NM_022124.5); short protein forms R3039W, R799W.
Identifiers: ClinVar variation 1052789 (VCV001052789.9), dbSNP rs1026597345, ClinGen allele CA209442263.
Genomic context (GRCh38, chr10:71,811,352, plus strand): 5'-TGAGACCCCTGCCCCTCGCCCAGGGTGATCCAGATGATCGATGAGAACAAGGAGCAGCTA[C>T]GGAATCTTTTCCGGAACTACAACGTCCTGGACGTGCAGCCTGCCATCTCTGTCCGGCTGC-3'
Protein context (NP_071407.4, residues 3029-3049): QMIDENKEQL[Arg3039Trp]NLFRNYNVLD

ClinVar aggregate classification (germline): Uncertain significance. Review status: criteria provided, multiple submitters, no conflicts (2 of 4 stars). 4 submissions from 4 submitters: Uncertain significance (3). 1 of the submissions does not count toward it. Last evaluated 2023-06-07.

Conditions:
Usher syndrome type 1 (USH1). Also called: RETINITIS PIGMENTOSA AND CONGENITAL DEAFNESS. Identifiers: Orphanet 231169, Orphanet 886, MedGen C1568247, MONDO:0010168, OMIM 276900.

Allele frequency attached by ClinVar (database versions not stated): TOPMed 0.00003; gnomAD 0.00003 and 0.00004.
gnomAD v4.1: 26 of 1,613,790 alleles (0.0016%); highest among the groups gnomAD compares: African/African-American, 0.0053%; no homozygotes.

Submissions (4):

GeneDx
Classification: Uncertain significance. Last evaluated: 2023-06-07. Review status: criteria provided, single submitter. Criteria: GeneDx Variant Classification Process June 2021. Collection method: clinical testing. Allele origin: germline. Affected: yes.
Comment: Not observed at significant frequency in large population cohorts (gnomAD); In silico analysis supports that this missense variant has a deleterious effect on protein structure/function; Has not been previously published as pathogenic or benign to our knowledge

Blueprint Genetics
Classification: Uncertain significance. Last evaluated: 2022-07-13. Review status: criteria provided, single submitter. Criteria: ACMG Guidelines, 2015. Collection method: clinical testing. Allele origin: germline.

Labcorp Genetics (formerly Invitae), Labcorp
Classification: Uncertain significance. Last evaluated: 2021-08-30. Review status: criteria provided, single submitter. Criteria: Invitae Variant Classification Sherloc (09022015). Collection method: clinical testing. Allele origin: germline.
Comment: This sequence change replaces arginine with tryptophan at codon 3039 of the CDH23 protein (p.Arg3039Trp). The arginine residue is highly conserved and there is a moderate physicochemical difference between arginine and tryptophan. This variant is not present in population databases (ExAC no frequency). This variant has not been reported in the literature in individuals affected with CDH23-related conditions. Algorithms developed to predict the effect of missense changes on protein structure and function are either unavailable or do not agree on the potential impact of this missense change (SIFT: "Deleterious"; PolyPhen-2: "Not Available"; Align-GVGD: "Class C0"). In summary, the available evidence is currently insufficient to determine the role of this variant in disease. Therefore, it has been classified as a Variant of Uncertain Significance.

Natera, Inc.
Classification: Uncertain significance for Usher syndrome type 1. Last evaluated: 2020-05-14. Review status: no assertion criteria provided. Collection method: clinical testing. Allele origin: germline. Not counted in ClinVar's aggregate classification.